The following is an entry in ClinVar:

NM_000038.6(APC):c.697C>A (p.Gln233Lys)

Gene: APC (APC regulator of Wnt signaling pathway; plus strand). Cytogenetic location: 5q22.2.
Variant type: single nucleotide variant.
Coding change: c.697C>A on transcript NM_000038.6 (MANE Select); coding-DNA position 697, C replaced by A.
Protein change: p.Gln233Lys; replaces glutamine 233 with lysine.
Molecular consequence: missense variant. On other transcripts: 5 prime UTR variant (4), non-coding transcript variant (2), intron variant (5).
Genome position (GRCh38, 1-based): chr5:112,792,497, C>A. VCF-style: chr5-112792497-C-A. GRCh37 (hg19) VCF-style: chr5-112128194-C-A.
Other names: c.697C>A, p.Gln233Lys (NM_001127510.3, NM_001354895.2, NM_001354896.2 and 12 more transcripts); c.727C>A, p.Gln243Lys (NM_001354897.2, NM_001354902.2, NM_001407446.1); c.622C>A, p.Gln208Lys (NM_001354898.2, NM_001354904.2, NM_001407451.1); c.520C>A, p.Gln174Lys (NM_001354900.2, NM_001354901.2, NM_001354905.2 and 1 more transcripts); c.-339C>A (NM_001354906.2, NM_001407470.1, NM_001407471.1 and 1 more transcripts); c.646-8782C>A (NM_001407452.1, NM_001407469.1, NM_001354899.2 and 1 more transcripts); c.676-8782C>A (NM_001127511.3); short protein forms Q174K, Q208K, Q233K, Q243K.
Identifiers: ClinVar variation 3231118 (VCV003231118.1), dbSNP rs1554074772, ClinGen allele CA16022855.

ClinVar aggregate classification (germline): Uncertain significance (1 of 4 stars; one submission).

Conditions:
Hereditary cancer-predisposing syndrome. Also called: Neoplastic Syndromes, Hereditary; Tumor predisposition; Hereditary neoplastic syndrome; Hereditary Cancer Syndrome. Identifiers: Orphanet 140162, MedGen C0027672, MeSH D009386, MONDO:0015356.

Submission:

Ambry Genetics
Classification: Uncertain significance for Hereditary cancer-predisposing syndrome. Last evaluated: 2024-01-01. Review status: criteria provided, single submitter. Criteria: Ambry Variant Classification Scheme 2023. Collection method: clinical testing. Allele origin: germline.
Comment: The p.Q233K variant (also known as c.697C>A), located in coding exon 6 of the APC gene, results from a C to A substitution at nucleotide position 697. The glutamine at codon 233 is replaced by lysine, an amino acid with similar properties. This amino acid position is conserved. In addition, in silico predictors for this gene do not accurately predict pathogenicity. Since supporting evidence is limited at this time, the clinical significance of this alteration remains unclear.